The following is an entry in ClinVar:

NM_002185.5(IL7R):c.*1171G>A

Gene: IL7R (interleukin 7 receptor; plus strand). Cytogenetic location: 5p13.2.
Variant type: single nucleotide variant.
Coding change: c.*1171G>A on transcript NM_002185.5 (MANE Select); 1171 bases downstream of the stop codon, G replaced by A.
Molecular consequence: 3 prime UTR variant. On other transcripts: non-coding transcript variant (1).
Genome position (GRCh38, 1-based): chr5:35,877,657, G>A. VCF-style: chr5-35877657-G-A. GRCh37 (hg19) VCF-style: chr5-35877759-G-A.
Identifiers: ClinVar variation 353286 (VCV000353286.6), dbSNP rs16902514, ClinGen allele CA10624535.

ClinVar aggregate classification (germline): Benign. Review status: criteria provided, multiple submitters, no conflicts (2 of 4 stars). 2 submissions from 2 submitters: Benign (2). Last evaluated 2018-01-12.

Conditions:
Immunodeficiency 104. Also called: SCID, AUTOSOMAL RECESSIVE, T CELL-NEGATIVE, B CELL-POSITIVE, NK CELL-POSITIVE; Severe Combined Immune Deficiency, Autosomal Recessive, TCell -Negative, B Cell-Positive, NK Cell-Positive, IL7R-Related; Severe combined immunodeficiency, autosomal recessive, T cell-negative, B cell-positive, NK cell-positive; IMMUNODEFICIENCY 104, SEVERE COMBINED. Identifiers: MedGen C5676890, MONDO:0012163, OMIM 608971.

Allele frequency attached by ClinVar (database versions not stated): gnomAD exomes 0.00474; gnomAD 0.02166 and 0.02323; TOPMed 0.02467; 1000 Genomes Project 0.02815; 1000 Genomes Project 30x 0.03029.
gnomAD v4.1: 3,705 of 233,264 alleles (1.6%); highest among the groups gnomAD compares: African/African-American, 7.5%; 129 homozygotes.

Submissions (2):

Illumina Laboratory Services, Illumina
Classification: Benign for Immunodeficiency 104. Last evaluated: 2018-01-12. Review status: criteria provided, single submitter. Criteria: ICSL Variant Classification Criteria 13 December 2019. Collection method: clinical testing. Allele origin: germline.
Comment: This variant was observed in the ICSL laboratory as part of a predisposition screen in an ostensibly healthy population. It had not been previously curated by ICSL or reported in the Human Gene Mutation Database (HGMD: prior to June 1st, 2018), and was therefore a candidate for classification through an automated scoring system. Utilizing variant allele frequency, disease prevalence and penetrance estimates, and inheritance mode, an automated score was calculated to assess if this variant is too frequent to cause the disease. Based on the score and internal cut-off values, a variant classified as benign is not then subjected to further curation. The score for this variant resulted in a classification of benign for this disease.

Breakthrough Genomics
Classification: Benign. Review status: criteria provided, single submitter. Criteria: ACMG Guidelines, 2015. Collection method: not provided. Allele origin: germline. Inheritance: Autosomal recessive inheritance. Affected: yes.